The following is an entry in ClinVar:

NM_000212.3(ITGB3):c.2315T>C (p.Leu772Pro)

Genes: ITGB3 (integrin subunit beta 3; plus strand), EFCAB13-DT (EFCAB13 divergent transcript; minus strand). Cytogenetic location: 17q21.32.
Variant type: single nucleotide variant.
Coding change: c.2315T>C on transcript NM_000212.3 (MANE Select); coding-DNA position 2315, T replaced by C.
Protein change: p.Leu772Pro; replaces leucine 772 with proline.
Molecular consequence: missense variant.
Genome position (GRCh38, 1-based): chr17:47,310,152, T>C. VCF-style: chr17-47310152-T-C. GRCh37 (hg19) VCF-style: chr17-45387518-T-C.
Other names: NM_000212.3:c.2315T>C; short protein forms L772P.
Identifiers: ClinVar variation 1691474 (VCV001691474.6), dbSNP rs1228960294, ClinGen allele CA400034691.

ClinVar aggregate classification (germline): Uncertain significance. Review status: reviewed by expert panel (3 of 4 stars). 3 submissions from 3 submitters: Uncertain significance (1). 2 of the submissions do not count toward it. Last evaluated 2025-04-15.

Conditions:
Glanzmann thrombasthenia. Also called: PLATELET GLYCOPROTEIN IIb-IIIa DEFICIENCY; Glanzmann's thrombasthenia; BLEEDING DISORDER, PLATELET-TYPE, 2; THROMBASTHENIA OF GLANZMANN AND NAEGELI; Thrombasthenia. Identifiers: Orphanet 849, MedGen C0040015, MONDO:0100326.

Allele frequency attached by ClinVar (database versions not stated): gnomAD exomes below 0.00001; gnomAD 0.00001; TOPMed 0.00002.
gnomAD v4.1: 3 of 1,613,892 alleles (0.00019%); highest among the groups gnomAD compares: African/African-American, 0.004%; no homozygotes.

Submissions (3):

ClinGen Platelet Disorders Variant Curation Expert Panel, ClinGen
Classification: Uncertain significance for Glanzmann thrombasthenia. Last evaluated: 2025-04-15. Review status: reviewed by expert panel. Criteria: ClinGen Platelet ACMG Specifications v2-1. Collection method: curation. Allele origin: germline. Inheritance: Autosomal recessive inheritance.
Comment: The NM_000212.3:c.2315T>C variant in ITGB3 is a missense variant predicted to cause substitution of leucine by proline at amino acid 772 (p.Leu772Pro). This variant has been observed in homozygosity in one individual (GT3 in PMID: 19691478) (PM3_Supporting). This individual displayed mucocutaneous bleeding and impaired aggregation with all agonists except ristocetin, which is highly specific for Glanzmann thrombasthenia (PP4_Moderate). The highest population minor allele frequency in gnomAD v4.1 is 0.00004007 (3/74870 alleles) in the African/African American population, which is lower than the ClinGen Platelet Disorders VCEP threshold (<0.0001; PM2_Supporting). In summary, due to insufficient evidence, this variant is classified as a variant of uncertain significance for autosomal recessive Glanzmann Thrombasthenia based on the ACMG/AMP criteria applied, as specified by the ClinGen PD-VCEP: PM2_Supporting, PM3_Supporting, PP4_Moderate. (VCEP specifications version 2)

Women's Health and Genetics/Laboratory Corporation of America, LabCorp
Classification: Uncertain significance. Last evaluated: 2025-02-17. Review status: criteria provided, single submitter. Criteria: LabCorp Variant Classification Summary - May 2015. Collection method: clinical testing. Allele origin: germline. Not counted in ClinVar's aggregate classification.
Comment: Variant summary: ITGB3 c.2315T>C (p.Leu772Pro) results in a non-conservative amino acid change in the encoded protein sequence. Five of five in-silico tools predict a damaging effect of the variant on protein function. The variant allele was found at a frequency of 4e-06 in 251442 control chromosomes. c.2315T>C has been reported in the literature in one homozygous individual affected with Glanzmann Thrombasthenia 2 (Kannan_2009). These data indicate that the variant may be associated with disease. To our knowledge, no experimental evidence demonstrating an impact on protein function has been reported. The following publication have been ascertained in the context of this evaluation (PMID: 19691478). ClinVar contains an entry for this variant (Variation ID: 1691474). Based on the evidence outlined above, the variant was classified as VUS-possibly pathogenic.

Labcorp Genetics (formerly Invitae), Labcorp
Classification: Uncertain significance. Last evaluated: 2025-01-26. Review status: criteria provided, single submitter. Criteria: Invitae Variant Classification Sherloc (09022015). Collection method: clinical testing. Allele origin: germline. Not counted in ClinVar's aggregate classification.
Comment: This sequence change replaces leucine, which is neutral and non-polar, with proline, which is neutral and non-polar, at codon 772 of the ITGB3 protein (p.Leu772Pro). This variant is present in population databases (no rsID available, gnomAD 0.007%). This missense change has been observed in individual(s) with autosomal recessive Glanzmann thrombasthenia (PMID: 19691478). ClinVar contains an entry for this variant (Variation ID: 1691474). Invitae Evidence Modeling of protein sequence and biophysical properties (such as structural, functional, and spatial information, amino acid conservation, physicochemical variation, residue mobility, and thermodynamic stability) indicates that this missense variant is expected to disrupt ITGB3 protein function with a positive predictive value of 95%. In summary, the available evidence is currently insufficient to determine the role of this variant in disease. Therefore, it has been classified as a Variant of Uncertain Significance.

Literature cited by the submitters: PubMed 19691478 (cited by Women's Health and Genetics/Laboratory Corporation of America, LabCorp and Labcorp Genetics (formerly Invitae), Labcorp).